The following is an entry in ClinVar:

NM_000264.5(PTCH1):c.3811C>T (p.His1271Tyr)

Gene: PTCH1 (patched 1; minus strand). Cytogenetic location: 9q22.32.
Variant type: single nucleotide variant.
Coding change: c.3811C>T on transcript NM_000264.5 (MANE Select); coding-DNA position 3811, C replaced by T.
Protein change: p.His1271Tyr; replaces histidine 1271 with tyrosine.
Molecular consequence: missense variant. On other transcripts: non-coding transcript variant (1).
Genome position (GRCh38, 1-based): chr9:95,447,445, G>A on the plus strand (C>T on the coding strand, the complement: PTCH1 is on the minus strand). VCF-style: chr9-95447445-G-A. GRCh37 (hg19) VCF-style: chr9-98209727-G-A.
Other names: c.3613C>T, p.His1205Tyr (NM_001083602.3); c.3808C>T, p.His1270Tyr (NM_001083603.3); c.3358C>T, p.His1120Tyr (NM_001083604.3, NM_001083605.3, NM_001083606.3 and 1 more transcripts); c.3655C>T, p.His1219Tyr (NM_001354918.2); c.3811C>T (NM_000264.4); short protein forms H1271Y, H1205Y, H1219Y, H1120Y, H1270Y.
Identifiers: ClinVar variation 524515 (VCV000524515.10), dbSNP rs1554688752, ClinGen allele CA374110875.
Genomic context (GRCh38, chr9:95,447,445, plus strand): 5'-CTGAGTCCAGGTGGGGCTGCTGTCTCGGGTTCGAGGGTGGGTGATGCCTGGATTCGGGAT[G>A]GACCACCTGCAGAGGGTGAGGGTGGGTTAGAAGGGTGGTATCCCAGGCTGGGCATGGTCC-3'
Protein context (NP_000255.2, residues 1261-1281): NPVFAHSTVV[His1271Tyr]PESRHHPPSN

ClinVar aggregate classification (germline): Uncertain significance. Review status: criteria provided, multiple submitters, no conflicts (2 of 4 stars). 2 submissions from 2 submitters: Uncertain significance (2). Last evaluated 2025-04-30.

Conditions:
Gorlin syndrome. Also called: Nevoid Basal Cell Carcinoma Syndrome; Basal cell nevus syndrome. Identifiers: Orphanet 377, MedGen C0004779, MONDO:0007187.

Allele frequency attached by ClinVar (database versions not stated): gnomAD exomes below 0.00001.
gnomAD v4.1: 1 of 1,584,886 alleles (0.000063%); highest among the groups gnomAD compares: Non-Finnish European, 0.000086%; no homozygotes.

Submissions (2):

Quest Diagnostics Nichols Institute San Juan Capistrano
Classification: Uncertain significance. Last evaluated: 2025-04-30. Review status: criteria provided, single submitter. Criteria: Quest Diagnostics criteria. Collection method: clinical testing. Allele origin: unknown.
Comment: The PTCH1 c.3811C>T (p.His1271Tyr) variant has not been reported in individuals with PTCH1-related conditions in the published literature. It also has not been reported in large, multi-ethnic general populations (Genome Aggregation Database). Analysis of this variant using bioinformatics tools for the prediction of the effect of amino acid changes on protein structure and function yielded predictions that this variant is benign. Based on the available information, we are unable to determine the clinical significance of this variant.

Labcorp Genetics (formerly Invitae), Labcorp
Classification: Uncertain significance for Gorlin syndrome. Last evaluated: 2017-09-26. Review status: criteria provided, single submitter. Criteria: Invitae Variant Classification Sherloc (09022015). Collection method: clinical testing. Allele origin: germline.
Comment: Algorithms developed to predict the effect of missense changes on protein structure and function (SIFT, PolyPhen-2, Align-GVGD) all suggest that this variant is likely to be tolerated, but these predictions have not been confirmed by published functional studies and their clinical significance is uncertain. In summary, the available evidence is currently insufficient to determine the role of this variant in disease. Therefore, it has been classified as a Variant of Uncertain Significance. This variant has not been reported in the literature in individuals with PTCH1-related disease. This variant is not present in population databases (ExAC no frequency). This sequence change replaces histidine with tyrosine at codon 1271 of the PTCH1 protein (p.His1271Tyr). The histidine residue is weakly conserved and there is a moderate physicochemical difference between histidine and tyrosine.